The following is an entry in ClinVar:

ClinVar aggregate classification (germline): Uncertain significance (1 of 4 stars; one submission).

Conditions:
Sulfite oxidase deficiency due to molybdenum cofactor deficiency type C. Also called: Molybdenum cofactor deficiency, complementation group C; Molybdenum cofactor deficiency C. Identifiers: Orphanet 308400, Orphanet 833, MedGen C1854990, MONDO:0014212, OMIM 615501.

Allele frequency attached by ClinVar (database versions not stated): gnomAD exomes below 0.00001.
gnomAD v4.1: 2 of 1,610,182 alleles (0.00012%); highest among the groups gnomAD compares: Non-Finnish European, 0.00017%; no homozygotes.

Submission:

Labcorp Genetics (formerly Invitae), Labcorp
Classification: Uncertain significance for Sulfite oxidase deficiency due to molybdenum cofactor deficiency type C. Last evaluated: 2023-01-13. Review status: criteria provided, single submitter. Criteria: Invitae Variant Classification Sherloc (09022015). Collection method: clinical testing. Allele origin: germline.
Comment: In summary, the available evidence is currently insufficient to determine the role of this variant in disease. Therefore, it has been classified as a Variant of Uncertain Significance. Algorithms developed to predict the effect of missense changes on protein structure and function output the following: SIFT: "Tolerated"; PolyPhen-2: "Benign"; Align-GVGD: "Class C0". The isoleucine amino acid residue is found in multiple mammalian species, which suggests that this missense change does not adversely affect protein function. This variant has not been reported in the literature in individuals affected with GPHN-related conditions. This variant is not present in population databases (gnomAD no frequency). This sequence change replaces valine, which is neutral and non-polar, with isoleucine, which is neutral and non-polar, at codon 254 of the GPHN protein (p.Val254Ile).

NM_020806.5(GPHN):c.760G>A (p.Val254Ile)

Gene: GPHN (gephyrin; plus strand). Cytogenetic location: 14q23.3.
Variant type: single nucleotide variant.
Coding change: c.760G>A on transcript NM_020806.5 (MANE Select); coding-DNA position 760, G replaced by A.
Protein change: p.Val254Ile; replaces valine 254 with isoleucine.
Molecular consequence: missense variant. On other transcripts: intron variant (7).
Genome position (GRCh38, 1-based): chr14:66,924,224, G>A. VCF-style: chr14-66924224-G-A. GRCh37 (hg19) VCF-style: chr14-67390941-G-A.
Other names: c.768+1286G>A (NM_001377514.1, NM_001377519.1); c.729+1286G>A (NM_001377515.1, NM_001377516.1, NM_001377518.1 and 2 more transcripts); short protein forms V254I.
Identifiers: ClinVar variation 3001353 (VCV003001353.3), dbSNP rs2549619707, ClinGen allele CA390256661.